The following is an entry in ClinVar:

NM_001127208.3(TET2):c.2039G>T (p.Arg680Ile)

Genes: TET2 (tet methylcytosine dioxygenase 2; plus strand), TET2-AS1 (TET2 antisense RNA 1; minus strand). Cytogenetic location: 4q24.
Variant type: single nucleotide variant.
Coding change: c.2039G>T on transcript NM_001127208.3 (MANE Select); coding-DNA position 2039, G replaced by T.
Protein change: p.Arg680Ile; replaces arginine 680 with isoleucine.
Molecular consequence: missense variant.
Genome position (GRCh38, 1-based): chr4:105,235,981, G>T. VCF-style: chr4-105235981-G-T. GRCh37 (hg19) VCF-style: chr4-106157138-G-T.
Other names: c.2039G>T, p.Arg680Ile (NM_017628.4); short protein forms R680I.
Identifiers: ClinVar variation 3176233 (VCV003176233.2), dbSNP rs759927654, ClinGen allele CA3031802.

ClinVar aggregate classification (germline): Uncertain significance (1 of 4 stars; one submission).

Allele frequency attached by ClinVar (database versions not stated): gnomAD 0.00004; gnomAD exomes 0.00010; TOPMed 0.00010; ExAC 0.00017.
gnomAD v4.1: 65 of 1,614,010 alleles (0.004%); highest among the groups gnomAD compares: Admixed American, 0.11%; no homozygotes.

Submission:

Ambry Genetics
Classification: Uncertain significance. Last evaluated: 2024-11-30. Review status: criteria provided, single submitter. Criteria: Ambry Variant Classification Scheme 2023. Collection method: clinical testing. Allele origin: germline.
Comment: The p.R680I variant (also known as c.2039G>T), located in coding exon 1 of the TET2 gene, results from a G to T substitution at nucleotide position 2039. The arginine at codon 680 is replaced by isoleucine, an amino acid with similar properties. This amino acid position is conserved. In addition, this alteration is predicted to be tolerated by in silico analysis. Based on the available evidence, the clinical significance of this variant remains unclear.